The following is an entry in ClinVar:

ClinVar aggregate classification (germline): Likely pathogenic (1 of 4 stars; one submission).

Conditions:
alpha Thalassemia. Also called: Alpha thalassemia spectrum. Identifiers: Orphanet 846, MedGen C0002312, MONDO:0011399, OMIM 604131.

Submission:

Natera, Inc.
Classification: Likely pathogenic for Alpha thalassemia. Last evaluated: 2025-09-10. Review status: criteria provided, single submitter. Criteria: Natera Variant Classification Schema (03/2026). Collection method: clinical testing. Allele origin: germline.
Comment: The c.323_324insAGTCTATAGATCGGAA variant in HBA2 is a frameshift variant predicted to elongate the protein beyond the termination codon. This variant is expected to result in nonsense mediated decay, truncation, or a dysfunctional protein product. This variant is rare in the general population with a frequency below the threshold expected for the associated phenotype(s). Given the available evidence, this variant is classified as Likely Pathogenic.

NM_000517.6(HBA2):c.323_324insAGTCTATAGATCGGAA (p.Thr109fs)

Genes: HBA2 (hemoglobin subunit alpha 2; plus strand), LOC106804612 (hemoglobin subunit alpha 2 recombination region; plus strand). Cytogenetic location: 16p13.3.
Variant type: Insertion.
Coding change: c.323_324insAGTCTATAGATCGGAA on transcript NM_000517.6 (MANE Select); coding-DNA positions 323 to 324, AGTCTATAGATCGGAA inserted.
Protein change: p.Thr109fs; shifts the reading frame from threonine 109.
Molecular consequence: frameshift variant.
Genome position: GRCh38 VCF-style: chr16-173494-T-TAGTCTATAGATCGGAA. GRCh37 (hg19) VCF-style: chr16-223493-T-TAGTCTATAGATCGGAA.
Other names: short protein forms T109fs.
Identifiers: ClinVar variation 4818663 (VCV004818663.1).